The following is an entry in ClinVar:

ClinVar aggregate classification (germline): Uncertain significance (1 of 4 stars; one submission).

Conditions:
Fanconi anemia (FA). Also called: Fanconi's anemia. Identifiers: Orphanet 84, MedGen C0015625, MeSH D005199, MONDO:0019391.

Allele frequency attached by ClinVar (database versions not stated): TOPMed 0.00001.
gnomAD v4.1: 2 of 1,613,894 alleles (0.00012%); highest among the groups gnomAD compares: Non-Finnish European, 0.00017%; no homozygotes.

Submission:

Labcorp Genetics (formerly Invitae), Labcorp
Classification: Uncertain significance for Fanconi anemia. Last evaluated: 2022-10-14. Review status: criteria provided, single submitter. Criteria: Invitae Variant Classification Sherloc (09022015). Collection method: clinical testing. Allele origin: germline.
Comment: ClinVar contains an entry for this variant (Variation ID: 938295). In summary, the available evidence is currently insufficient to determine the role of this variant in disease. Therefore, it has been classified as a Variant of Uncertain Significance. Advanced modeling of protein sequence and biophysical properties (such as structural, functional, and spatial information, amino acid conservation, physicochemical variation, residue mobility, and thermodynamic stability) performed at Invitae indicates that this missense variant is expected to disrupt FANCA protein function. This variant has not been reported in the literature in individuals affected with FANCA-related conditions. This variant is not present in population databases (gnomAD no frequency). This sequence change replaces leucine, which is neutral and non-polar, with phenylalanine, which is neutral and non-polar, at codon 1138 of the FANCA protein (p.Leu1138Phe).

NM_000135.4(FANCA):c.3412C>T (p.Leu1138Phe)

Gene: FANCA (FA complementation group A; minus strand). Cytogenetic location: 16q24.3.
Variant type: single nucleotide variant.
Coding change: c.3412C>T on transcript NM_000135.4 (MANE Select); coding-DNA position 3412, C replaced by T.
Protein change: p.Leu1138Phe; replaces leucine 1138 with phenylalanine.
Molecular consequence: missense variant.
Genome position (GRCh38, 1-based): chr16:89,746,685, G>A on the plus strand (C>T on the coding strand, the complement: FANCA is on the minus strand). VCF-style: chr16-89746685-G-A. GRCh37 (hg19) VCF-style: chr16-89813093-G-A.
Other names: c.3412C>T, p.Leu1138Phe (NM_001286167.3); short protein forms L1138F.
Identifiers: ClinVar variation 938295 (VCV000938295.7), dbSNP rs138417003, ClinGen allele CA397486017.